The following is an entry in ClinVar:

ClinVar aggregate classification (germline): Uncertain significance. Review status: criteria provided, multiple submitters, no conflicts (2 of 4 stars). 2 submissions from 2 submitters: Uncertain significance (2). Last evaluated 2025-04-01.

Allele frequency attached by ClinVar (database versions not stated): TOPMed below 0.00001; ExAC 0.00002; gnomAD exomes 0.00001; gnomAD 0.00001.
gnomAD v4.1: 13 of 1,613,974 alleles (0.00081%); highest among the groups gnomAD compares: South Asian, 0.0011%; no homozygotes.

Submissions (2):

Labcorp Genetics (formerly Invitae), Labcorp
Classification: Uncertain significance. Last evaluated: 2025-04-01. Review status: criteria provided, single submitter. Criteria: Invitae Variant Classification Sherloc (09022015). Collection method: clinical testing. Allele origin: germline.
Comment: This sequence change replaces threonine, which is neutral and polar, with isoleucine, which is neutral and non-polar, at codon 216 of the FLNB protein (p.Thr216Ile). This variant is present in population databases (rs755253275, gnomAD 0.002%). This variant has not been reported in the literature in individuals affected with FLNB-related conditions. ClinVar contains an entry for this variant (Variation ID: 2499921). Invitae Evidence Modeling of protein sequence and biophysical properties (such as structural, functional, and spatial information, amino acid conservation, physicochemical variation, residue mobility, and thermodynamic stability) indicates that this missense variant is not expected to disrupt FLNB protein function with a negative predictive value of 95%. In summary, the available evidence is currently insufficient to determine the role of this variant in disease. Therefore, it has been classified as a Variant of Uncertain Significance.

GeneDx
Classification: Uncertain significance. Last evaluated: 2024-12-07. Review status: criteria provided, single submitter. Criteria: GeneDx Variant Classification Process June 2021. Collection method: clinical testing. Allele origin: germline.
Comment: Not observed at significant frequency in large population cohorts (gnomAD); In silico analysis supports that this missense variant has a deleterious effect on protein structure/function; Has not been previously published as pathogenic or benign to our knowledge

NM_001457.4(FLNB):c.647C>T (p.Thr216Ile)

Gene: FLNB (filamin B; plus strand). Cytogenetic location: 3p14.3.
Variant type: single nucleotide variant.
Coding change: c.647C>T on transcript NM_001457.4 (MANE Select); coding-DNA position 647, C replaced by T.
Protein change: p.Thr216Ile; replaces threonine 216 with isoleucine.
Molecular consequence: missense variant.
Genome position (GRCh38, 1-based): chr3:58,081,636, C>T. VCF-style: chr3-58081636-C-T. GRCh37 (hg19) VCF-style: chr3-58067363-C-T.
Other names: c.647C>T, p.Thr216Ile (NM_001164317.2, NM_001164318.2, NM_001164319.2); short protein forms T216I.
Identifiers: ClinVar variation 2499921 (VCV002499921.5), dbSNP rs755253275, ClinGen allele CA2467593.